The following is an entry in ClinVar:

NM_001378609.3(OTOGL):c.1262T>C (p.Leu421Pro)

Gene: OTOGL (otogelin like; plus strand). Cytogenetic location: 12q21.31.
Variant type: single nucleotide variant.
Coding change: c.1262T>C on transcript NM_001378609.3 (MANE Select); coding-DNA position 1262, T replaced by C.
Protein change: p.Leu421Pro; replaces leucine 421 with proline.
Molecular consequence: missense variant.
Genome position (GRCh38, 1-based): chr12:80,252,178, T>C. VCF-style: chr12-80252178-T-C. GRCh37 (hg19) VCF-style: chr12-80645958-T-C.
Other names: c.1235T>C (NM_173591.3); c.1262T>C, p.Leu421Pro (NM_001368062.3, NM_001378610.3, NM_173591.7); short protein forms L421P.
Identifiers: ClinVar variation 1405224 (VCV001405224.7), dbSNP rs778574643, ClinGen allele CA6700400.

ClinVar aggregate classification (germline): Uncertain significance. Review status: criteria provided, multiple submitters, no conflicts (2 of 4 stars). 3 submissions from 3 submitters: Uncertain significance (3). Last evaluated 2024-11-25.

Conditions:
Inborn genetic diseases. Identifiers: MedGen C0950123, MeSH D030342.

Allele frequency attached by ClinVar (database versions not stated): gnomAD exomes 0.00002 and 0.00007; TOPMed 0.00002; gnomAD 0.00004 and 0.00005; ExAC 0.00020.
gnomAD v4.1: 52 of 1,597,452 alleles (0.0033%); highest among the groups gnomAD compares: East Asian, 0.065%; no homozygotes.

Submissions (3):

Blueprint Genetics
Classification: Uncertain significance. Last evaluated: 2024-11-25. Review status: criteria provided, single submitter. Criteria: ACMG Guidelines, 2015. Collection method: clinical testing. Allele origin: germline.

Ambry Genetics
Classification: Uncertain significance for Inborn genetic diseases. Last evaluated: 2022-10-20. Review status: criteria provided, single submitter. Criteria: Ambry Variant Classification Scheme 2023. Collection method: clinical testing. Allele origin: germline.
Comment: The c.1235T>C (p.L412P) alteration is located in exon 12 (coding exon 12) of the OTOGL gene. This alteration results from a T to C substitution at nucleotide position 1235, causing the leucine (L) at amino acid position 412 to be replaced by a proline (P). Based on data from gnomAD, the C allele has an overall frequency of 0.008% (21/254432) total alleles studied. The highest observed frequency was 0.098% (18/18346) of East Asian alleles. This amino acid position is highly conserved in available vertebrate species. This alteration is predicted to be tolerated by in silico analysis. Based on insufficient or conflicting evidence, the clinical significance of this alteration remains unclear.

Labcorp Genetics (formerly Invitae), Labcorp
Classification: Uncertain significance. Last evaluated: 2022-08-09. Review status: criteria provided, single submitter. Criteria: Invitae Variant Classification Sherloc (09022015). Collection method: clinical testing. Allele origin: germline.
Comment: This sequence change replaces leucine, which is neutral and non-polar, with proline, which is neutral and non-polar, at codon 412 of the OTOGL protein (p.Leu412Pro). This variant is present in population databases (rs778574643, gnomAD 0.08%). This variant has not been reported in the literature in individuals affected with OTOGL-related conditions. ClinVar contains an entry for this variant (Variation ID: 1405224). Algorithms developed to predict the effect of missense changes on protein structure and function are either unavailable or do not agree on the potential impact of this missense change (SIFT: "Deleterious"; PolyPhen-2: "Probably Damaging"; Align-GVGD: "Class C0"). In summary, the available evidence is currently insufficient to determine the role of this variant in disease. Therefore, it has been classified as a Variant of Uncertain Significance.